The following is an entry in ClinVar:

NM_032776.3(JMJD1C):c.6959A>G (p.Tyr2320Cys)

Gene: JMJD1C (jumonji domain containing 1C; minus strand). Cytogenetic location: 10q21.3.
Variant type: single nucleotide variant.
Coding change: c.6959A>G on transcript NM_032776.3 (MANE Select); coding-DNA position 6959, A replaced by G.
Protein change: p.Tyr2320Cys; replaces tyrosine 2320 with cysteine.
Molecular consequence: missense variant. On other transcripts: non-coding transcript variant (1).
Genome position (GRCh38, 1-based): chr10:63,184,610, T>C on the plus strand (A>G on the coding strand, the complement: JMJD1C is on the minus strand). VCF-style: chr10-63184610-T-C. GRCh37 (hg19) VCF-style: chr10-64944370-T-C.
Other names: c.6413A>G, p.Tyr2138Cys (NM_001282948.2, NM_001318154.2); c.6095A>G, p.Tyr2032Cys (NM_001318153.2); c.6845A>G, p.Tyr2282Cys (NM_001322252.2); c.6302A>G, p.Tyr2101Cys (NM_001322254.2, NM_001322258.2); short protein forms Y2282C, Y2320C, Y2138C, Y2032C, Y2101C.
Identifiers: ClinVar variation 2004355 (VCV002004355.4), dbSNP rs2492337350, ClinGen allele CA377020562.
Genomic context (GRCh38, chr10:63,184,610, plus strand): 5'-AAAATTTTAAAAAATCCAATATAATTCCTACATGGGAGAAATGTGAATATATACCTACCA[T>C]AGGCACTGCACAACCTGGGTCCTAGATCAGGACGTACAAAAAATCCTGGCAAATGAGAGG-3'
Protein context (NP_116165.1, residues 2310-2330): PDLGPRLCSA[Tyr2320Cys]GVVAAKDHDI

ClinVar aggregate classification (germline): Uncertain significance (1 of 4 stars; one submission).

Conditions:
Early Myoclonic Encephalopathy. Identifiers: MedGen C0270855.

Submission:

Labcorp Genetics (formerly Invitae), Labcorp
Classification: Uncertain significance for Early Myoclonic Encephalopathy. Last evaluated: 2023-12-07. Review status: criteria provided, single submitter. Criteria: Invitae Variant Classification Sherloc (09022015). Collection method: clinical testing. Allele origin: germline.
Comment: This sequence change replaces tyrosine, which is neutral and polar, with cysteine, which is neutral and slightly polar, at codon 2320 of the JMJD1C protein (p.Tyr2320Cys). This variant is not present in population databases (gnomAD no frequency). This variant has not been reported in the literature in individuals affected with JMJD1C-related conditions. ClinVar contains an entry for this variant (Variation ID: 2004355). An algorithm developed to predict the effect of missense changes on protein structure and function (PolyPhen-2) suggests that this variant is likely to be disruptive. In summary, the available evidence is currently insufficient to determine the role of this variant in disease. Therefore, it has been classified as a Variant of Uncertain Significance.